The following is an entry in ClinVar:

NM_022725.4(FANCF):c.825G>A (p.Leu275=)

Gene: FANCF (FA complementation group F; minus strand). Cytogenetic location: 11p14.3.
Variant type: single nucleotide variant.
Coding change: c.825G>A on transcript NM_022725.4 (MANE Select); coding-DNA position 825, G replaced by A.
Protein change: p.Leu275=; no amino-acid change (leucine 275 retained).
Molecular consequence: synonymous variant.
Genome position (GRCh38, 1-based): chr11:22,624,986, C>T on the plus strand (G>A on the coding strand, the complement: FANCF is on the minus strand). VCF-style: chr11-22624986-C-T. GRCh37 (hg19) VCF-style: chr11-22646532-C-T.
Other names: p.Leu275=.
Identifiers: ClinVar variation 241444 (VCV000241444.53), dbSNP rs36045913, ClinGen allele CA5924250.

ClinVar aggregate classification (germline): Benign/Likely benign. Review status: criteria provided, multiple submitters, no conflicts (2 of 4 stars). 15 submissions from 15 submitters: Benign (9); Likely benign (2). 4 of the submissions do not count toward it. Last evaluated 2026-10-01.

Conditions:
Fanconi anemia (FA). Also called: Fanconi's anemia. Identifiers: Orphanet 84, MedGen C0015625, MeSH D005199, MONDO:0019391.
Fanconi anemia complementation group F. Also called: FANCF-Related Fanconi Anemia. Identifiers: Orphanet 84, MedGen C3469526, MONDO:0011325, OMIM 603467.

Allele frequency attached by ClinVar (database versions not stated): 1000 Genomes Project 30x 0.00640; 1000 Genomes Project 0.00679; TOPMed 0.01467; ESP Exome Variant Server 0.01668; gnomAD 0.01819 and 0.01879; gnomAD exomes 0.01827 and 0.02265; ExAC 0.01851.

Submissions (15):

CeGaT Center for Human Genetics Tuebingen
Classification: Benign. Last evaluated: 2026-10-01. Review status: criteria provided, single submitter. Criteria: CeGaT Center For Human Genetics Tuebingen Variant Classification Criteria Version 2. Collection method: clinical testing. Allele origin: germline. Affected: yes. Observed: 99 variant alleles.
Comment: FANCF: BP4, BS1, BS2

Labcorp Genetics (formerly Invitae), Labcorp
Classification: Benign for Fanconi anemia. Last evaluated: 2026-02-04. Review status: criteria provided, single submitter. Criteria: Invitae Variant Classification Sherloc (09022015). Collection method: clinical testing. Allele origin: germline.

Mayo Clinic Laboratories, Mayo Clinic
Classification: Likely benign. Last evaluated: 2025-08-11. Review status: criteria provided, single submitter. Criteria: ACMG Guidelines, 2015. Collection method: clinical testing. Allele origin: germline. Observed: 4 variant alleles.
Comment: BS1, BP4

ARUP Laboratories, Molecular Genetics and Genomics, ARUP Laboratories
Classification: Benign for Fanconi anemia complementation group F. Last evaluated: 2025-04-11. Review status: criteria provided, single submitter. Criteria: ARUP Molecular Germline Variant Investigation Process 2024. Collection method: clinical testing. Allele origin: germline.

Blueprint Genetics
Classification: Likely benign. Last evaluated: 2024-11-27. Review status: criteria provided, single submitter. Criteria: ACMG Guidelines, 2015. Collection method: clinical testing. Allele origin: germline.

KCCC/NGS Laboratory, Kuwait Cancer Control Center
Classification: Benign for Fanconi anemia complementation group F. Last evaluated: 2023-07-07. Review status: criteria provided, single submitter. Criteria: ACMG Guidelines, 2015. Collection method: clinical testing. Allele origin: germline. Affected: yes.

Sema4
Classification: Benign for Fanconi anemia. Last evaluated: 2020-08-10. Review status: criteria provided, single submitter. Criteria: Sema4 Curation Guidelines. Collection method: curation. Allele origin: germline.

GeneDx
Classification: Benign. Last evaluated: 2020-03-05. Review status: criteria provided, single submitter. Criteria: GeneDx Variant Classification Process June 2021. Collection method: clinical testing. Allele origin: germline. Affected: yes.
Comment: This variant is associated with the following publications: (PMID: 27884173, 17924555)

Illumina Laboratory Services, Illumina
Classification: Benign for Fanconi anemia complementation group F. Last evaluated: 2018-01-12. Review status: criteria provided, single submitter. Criteria: ICSL Variant Classification Criteria 13 December 2019. Collection method: clinical testing. Allele origin: germline.
Comment: This variant was observed in the ICSL laboratory as part of a predisposition screen in an ostensibly healthy population. It had not been previously curated by ICSL or reported in the Human Gene Mutation Database (HGMD: prior to June 1st, 2018), and was therefore a candidate for classification through an automated scoring system. Utilizing variant allele frequency, disease prevalence and penetrance estimates, and inheritance mode, an automated score was calculated to assess if this variant is too frequent to cause the disease. Based on the score and internal cut-off values, a variant classified as benign is not then subjected to further curation. The score for this variant resulted in a classification of benign for this disease.

Breakthrough Genomics
Classification: Benign. Review status: criteria provided, single submitter. Criteria: ACMG Guidelines, 2015. Collection method: not provided. Allele origin: germline. Inheritance: Autosomal recessive inheritance. Affected: yes.

PreventionGenetics, part of Exact Sciences
Classification: Benign. Review status: criteria provided, single submitter. Criteria: ACMG Guidelines, 2015. Collection method: clinical testing. Allele origin: germline.

Genome Diagnostics Laboratory, Amsterdam University Medical Center
Classification: Benign. Review status: no assertion criteria provided. Collection method: clinical testing. Allele origin: germline. Affected: yes. Study: VKGL Data-share Consensus. Not counted in ClinVar's aggregate classification.

Genome Diagnostics Laboratory, University Medical Center Utrecht
Classification: Benign. Review status: no assertion criteria provided. Collection method: clinical testing. Allele origin: germline. Affected: yes. Study: VKGL Data-share Consensus. Not counted in ClinVar's aggregate classification.

Laboratory of Diagnostic Genome Analysis, Leiden University Medical Center (LUMC)
Classification: Likely benign. Review status: no assertion criteria provided. Collection method: clinical testing. Allele origin: germline. Affected: yes. Study: VKGL Data-share Consensus. Not counted in ClinVar's aggregate classification.

Leiden Open Variation Database
Classification: Pathogenic for Fanconi anemia complementation group F. Last evaluated: 2011-02-07. Review status: flagged submission. Collection method: curation. Allele origin: germline. Affected: yes. Not counted in ClinVar's aggregate classification.
Comment: Curator: Arleen D. Auerbach. Submitter to LOVD: Johan de Winter.
ClinVar note: Reason: Outlier claim with insufficient supporting evidence

Literature cited by the submitters: PubMed 17924555 (cited by Leiden Open Variation Database).